The following is an entry in ClinVar:

NM_002439.5(MSH3):c.1426T>C (p.Tyr476His)

Gene: MSH3 (mutS homolog 3; plus strand). Cytogenetic location: 5q14.1.
Variant type: single nucleotide variant.
Coding change: c.1426T>C on transcript NM_002439.5 (MANE Select); coding-DNA position 1426, T replaced by C.
Protein change: p.Tyr476His; replaces tyrosine 476 with histidine.
Molecular consequence: missense variant.
Genome position (GRCh38, 1-based): chr5:80,725,538, T>C. VCF-style: chr5-80725538-T-C. GRCh37 (hg19) VCF-style: chr5-80021357-T-C.
Other names: short protein forms Y476H.
Identifiers: ClinVar variation 650366 (VCV000650366.12), dbSNP rs758556156, ClinGen allele CA3327904.

ClinVar aggregate classification (germline): Uncertain significance. Review status: criteria provided, multiple submitters, no conflicts (2 of 4 stars). 4 submissions from 4 submitters: Uncertain significance (4). Last evaluated 2026-01-25.

Conditions:
Hereditary cancer-predisposing syndrome. Also called: Neoplastic Syndromes, Hereditary; Hereditary Cancer Syndrome; Tumor predisposition; Hereditary neoplastic syndrome. Identifiers: Orphanet 140162, MedGen C0027672, MeSH D009386, MONDO:0015356.
Familial adenomatous polyposis 4 (FAP4). Also called: MSH3-related attenuated familial adenomatous polyposis. Identifiers: Orphanet 480536, MedGen C4310719, MONDO:0044300, OMIM 617100.

Allele frequency attached by ClinVar (database versions not stated): gnomAD exomes below 0.00001; ExAC 0.00001; TOPMed 0.00001.
gnomAD v4.1: 2 of 1,613,676 alleles (0.00012%); highest among the groups gnomAD compares: Non-Finnish European, 0.00017%; no homozygotes.

Submissions (4):

Labcorp Genetics (formerly Invitae), Labcorp
Classification: Uncertain significance. Last evaluated: 2026-01-25. Review status: criteria provided, single submitter. Criteria: Invitae Variant Classification Sherloc (09022015). Collection method: clinical testing. Allele origin: germline.
Comment: This sequence change replaces tyrosine, which is neutral and polar, with histidine, which is basic and polar, at codon 476 of the MSH3 protein (p.Tyr476His). This variant is not present in population databases (gnomAD no frequency). This variant has not been reported in the literature in individuals affected with MSH3-related conditions. ClinVar contains an entry for this variant (Variation ID: 650366). An algorithm developed to predict the effect of missense changes on protein structure and function (PolyPhen-2) suggests that this variant is likely to be disruptive. In summary, the available evidence is currently insufficient to determine the role of this variant in disease. Therefore, it has been classified as a Variant of Uncertain Significance.

Ambry Genetics
Classification: Uncertain significance for Hereditary cancer-predisposing syndrome. Last evaluated: 2025-01-17. Review status: criteria provided, single submitter. Criteria: Ambry Variant Classification Scheme 2023. Collection method: clinical testing. Allele origin: germline.
Comment: The p.Y476H variant (also known as c.1426T>C), located in coding exon 9 of the MSH3 gene, results from a T to C substitution at nucleotide position 1426. The tyrosine at codon 476 is replaced by histidine, an amino acid with similar properties. This amino acid position is highly conserved in available vertebrate species. In addition, the in silico prediction for this alteration is inconclusive. Since supporting evidence is limited at this time, the clinical significance of this alteration remains unclear.

St. Jude Molecular Pathology, St. Jude Children's Research Hospital
Classification: Uncertain significance for Familial adenomatous polyposis 4. Last evaluated: 2023-11-01. Review status: criteria provided, single submitter. Criteria: St. Jude Assertion Criteria 2020. Collection method: clinical testing. Allele origin: germline.
Comment: The MSH3 c.1426T>C (p.Tyr476His) missense change is absent in gnomAD v2.1.1. The in silico tool REVEL is inconclusive about a pathogenic or benign effect of this variant on protein function, and to our knowledge functional studies have not been performed. To our knowledge, this variant has not been reported in individuals with MSH3-associated familial adenomatous polyposis. In summary, the evidence currently available is insufficient to determine the clinical significance of this variant. It has therefore been classified as of uncertain significance.

Blueprint Genetics
Classification: Uncertain significance. Last evaluated: 2023-07-19. Review status: criteria provided, single submitter. Criteria: ACMG Guidelines, 2015. Collection method: clinical testing. Allele origin: germline.